The following is an entry in ClinVar:

ClinVar aggregate classification (germline): Uncertain significance (1 of 4 stars; one submission).

Submission:

Greenwood Genetic Center Diagnostic Laboratories, Greenwood Genetic Center
Classification: Uncertain significance. Last evaluated: 2022-07-18. Review status: criteria provided, single submitter. Criteria: ACMG Guidelines, 2015. Collection method: clinical testing. Allele origin: germline. Affected: yes.
Comment: PM2, PP3

NM_024757.5(EHMT1):c.1451T>C (p.Leu484Pro)

Gene: EHMT1 (euchromatic histone lysine methyltransferase 1; plus strand). Cytogenetic location: 9q34.3.
Variant type: single nucleotide variant.
Coding change: c.1451T>C on transcript NM_024757.5 (MANE Select); coding-DNA position 1451, T replaced by C.
Protein change: p.Leu484Pro; replaces leucine 484 with proline.
Molecular consequence: missense variant.
Genome position (GRCh38, 1-based): chr9:137,757,961, T>C. VCF-style: chr9-137757961-T-C. GRCh37 (hg19) VCF-style: chr9-140652413-T-C.
Other names: c.1451T>C, p.Leu484Pro (NM_001145527.2, NM_001354611.2); c.1358T>C, p.Leu453Pro (NM_001354259.2, NM_001354612.2); c.1430T>C, p.Leu477Pro (NM_001354263.2); short protein forms L453P, L477P, L484P.
Identifiers: ClinVar variation 1710438 (VCV001710438.3), dbSNP rs1949508280, ClinGen allele CA375766243.